The following is an entry in ClinVar:

ClinVar aggregate classification (germline): Uncertain significance (1 of 4 stars; one submission).

Submission:

GeneDx
Classification: Uncertain significance. Last evaluated: 2025-05-30. Review status: criteria provided, single submitter. Criteria: GeneDx Variant Classification Process June 2021. Collection method: clinical testing. Allele origin: germline. Affected: yes.
Comment: Not observed at significant frequency in large population cohorts (gnomAD); In silico analysis supports that this missense variant has a deleterious effect on protein structure/function; Has not been previously published as pathogenic or benign to our knowledge

NM_007129.5(ZIC2):c.379G>T (p.Gly127Trp)

Gene: ZIC2 (Zic family zinc finger 2; plus strand). Cytogenetic location: 13q32.3.
Variant type: single nucleotide variant.
Coding change: c.379G>T on transcript NM_007129.5 (MANE Select); coding-DNA position 379, G replaced by T.
Protein change: p.Gly127Trp; replaces glycine 127 with tryptophan.
Molecular consequence: missense variant.
Genome position (GRCh38, 1-based): chr13:99,982,443, G>T. VCF-style: chr13-99982443-G-T. GRCh37 (hg19) VCF-style: chr13-100634697-G-T.
Other names: short protein forms G127W.
Identifiers: ClinVar variation 4532753 (VCV004532753.1).